The following is an entry in ClinVar:

ClinVar aggregate classification (germline): Likely benign. Review status: criteria provided, multiple submitters, no conflicts (2 of 4 stars). 3 submissions from 3 submitters: Likely benign (3). Last evaluated 2023-06-13.

Conditions:
Dilated cardiomyopathy 1G (CMD1G). Identifiers: Orphanet 154, MedGen C1858763, MONDO:0011400, OMIM 604145.
Autosomal recessive limb-girdle muscular dystrophy type 2J (LGMDR10). Also called: MUSCULAR DYSTROPHY, LIMB-GIRDLE, AUTOSOMAL RECESSIVE 10; Limb-girdle muscular dystrophy, type 2J. Identifiers: Orphanet 140922, MedGen C1837342, MONDO:0012127, OMIM 608807.

Allele frequency attached by ClinVar (database versions not stated): gnomAD exomes below 0.00001; ExAC 0.00001.
gnomAD v4.1: 4 of 1,613,910 alleles (0.00025%); highest among the groups gnomAD compares: Admixed American, 0.0017%; no homozygotes.

Submissions (3):

Labcorp Genetics (formerly Invitae), Labcorp
Classification: Likely benign for Dilated cardiomyopathy 1G; Autosomal recessive limb-girdle muscular dystrophy type 2J. Last evaluated: 2023-06-13. Review status: criteria provided, single submitter. Criteria: Invitae Variant Classification Sherloc (09022015). Collection method: clinical testing. Allele origin: germline.

CeGaT Center for Human Genetics Tuebingen
Classification: Likely benign. Last evaluated: 2022-03-01. Review status: criteria provided, single submitter. Criteria: CeGaT Center For Human Genetics Tuebingen Variant Classification Criteria Version 2. Collection method: clinical testing. Allele origin: germline. Affected: yes. Observed: 1 variant allele.
Comment: TTN: BP4, BP7

GeneDx
Classification: Likely benign. Last evaluated: 2015-10-30. Review status: criteria provided, single submitter. Criteria: GeneDx Variant Classification (06012015). Collection method: clinical testing. Allele origin: germline. Affected: yes.
Comment: This variant is considered likely benign or benign based on one or more of the following criteria: it is a conservative change, it occurs at a poorly conserved position in the protein, it is predicted to be benign by multiple in silico algorithms, and/or has population frequency not consistent with disease.

NM_001267550.2(TTN):c.103686C>T (p.Phe34562=)

Genes: TTN (titin; minus strand), TTN-AS1 (TTN antisense RNA 1; plus strand). Cytogenetic location: 2q31.2.
Variant type: single nucleotide variant.
Coding change: c.103686C>T on transcript NM_001267550.2 (MANE Select); coding-DNA position 103686, C replaced by T.
Protein change: p.Phe34562=; no amino-acid change (phenylalanine 34562 retained).
Molecular consequence: synonymous variant.
Genome position (GRCh38, 1-based): chr2:178,532,929, G>A on the plus strand (C>T on the coding strand, the complement: TTN is on the minus strand). VCF-style: chr2-178532929-G-A. GRCh37 (hg19) VCF-style: chr2-179397656-G-A.
Other names: c.98763C>T, p.Phe32921= (NM_001256850.1); c.76491C>T, p.Phe25497= (NM_003319.4); c.95982C>T, p.Phe31994= (NM_133378.4); c.76866C>T, p.Phe25622= (NM_133432.3); c.77067C>T, p.Phe25689= (NM_133437.4).
Identifiers: ClinVar variation 381100 (VCV000381100.36), dbSNP rs777864853, ClinGen allele CA1985561.